The following is an entry in ClinVar:

ClinVar aggregate classification (germline): Uncertain significance. Review status: criteria provided, multiple submitters, no conflicts (2 of 4 stars). 3 submissions from 3 submitters: Uncertain significance (3). Last evaluated 2023-10-19.

Conditions:
Ataxia-telangiectasia syndrome (AT). Also called: Ataxia-telangiectasia, complementation group D; AT, COMPLEMENTATION GROUP C; ATAXIA-TELANGIECTASIA, COMPLEMENTATION GROUP A; ATAXIA-TELANGIECTASIA, FRESNO VARIANT; Ataxia-telangiectasia; LOUIS-BAR SYNDROME. Identifiers: Orphanet 100, MedGen C0004135, MONDO:0008840, OMIM 208900.
Hereditary cancer-predisposing syndrome. Also called: Tumor predisposition; Hereditary neoplastic syndrome; Neoplastic Syndromes, Hereditary; Hereditary Cancer Syndrome. Identifiers: Orphanet 140162, MedGen C0027672, MeSH D009386, MONDO:0015356.

Submissions (3):

Labcorp Genetics (formerly Invitae), Labcorp
Classification: Uncertain significance for Ataxia-telangiectasia syndrome. Last evaluated: 2023-10-19. Review status: criteria provided, single submitter. Criteria: Invitae Variant Classification Sherloc (09022015). Collection method: clinical testing. Allele origin: germline.
Comment: This sequence change replaces asparagine, which is neutral and polar, with aspartic acid, which is acidic and polar, at codon 2940 of the ATM protein (p.Asn2940Asp). This variant is not present in population databases (gnomAD no frequency). This variant has not been reported in the literature in individuals affected with ATM-related conditions. ClinVar contains an entry for this variant (Variation ID: 630980). An algorithm developed to predict the effect of missense changes on protein structure and function (PolyPhen-2) suggests that this variant is likely to be tolerated. In summary, the available evidence is currently insufficient to determine the role of this variant in disease. Therefore, it has been classified as a Variant of Uncertain Significance.

Color Diagnostics, LLC DBA Color Health
Classification: Uncertain significance for Hereditary cancer-predisposing syndrome. Last evaluated: 2022-07-11. Review status: criteria provided, single submitter. Criteria: ACMG Guidelines, 2015. Collection method: clinical testing. Allele origin: germline.
Comment: This missense variant replaces asparagine with aspartic acid at codon 2940 of the ATM protein. Computational prediction suggests that this variant may not impact protein structure and function (internally defined REVEL score threshold <= 0.5, PMID: 27666373). To our knowledge, functional studies have not been reported for this variant. This variant has not been reported in individuals affected with hereditary cancer in the literature. This variant has not been identified in the general population by the Genome Aggregation Database (gnomAD). The available evidence is insufficient to determine the role of this variant in disease conclusively. Therefore, this variant is classified as a Variant of Uncertain Significance.

Ambry Genetics
Classification: Uncertain significance for Hereditary cancer-predisposing syndrome. Last evaluated: 2015-06-26. Review status: criteria provided, single submitter. Criteria: Ambry Variant Classification Scheme 2023. Collection method: clinical testing. Allele origin: germline.
Comment: The p.N2940D variant (also known as c.8818A>G), located in coding exon 60 of the ATM gene, results from an A to G substitution at nucleotide position 8818. The asparagine at codon 2940 is replaced by aspartic acid, an amino acid with highly similar properties. This variant was not reported in population based cohorts in the following databases: Database of Single Nucleotide Polymorphisms (dbSNP), NHLBI Exome Sequencing Project (ESP), and 1000 Genomes Project. In the ESP, this variant was not observed in 6499 samples (12998 alleles) with coverage at this position. To date, this alteration has been detected with an allele frequency of approximately 0.002% (greater than 66000 alleles tested) in our clinical cohort. This amino acid position is well conserved in available vertebrate species. In addition, this alteration is predicted to be tolerated by in silico analysis. Since supporting evidence is limited at this time, the clinical significance of p.N2940D remains unclear.

NM_000051.4(ATM):c.8818A>G (p.Asn2940Asp)

Genes: ATM (ATM serine/threonine kinase; plus strand), C11orf65 (chromosome 11 open reading frame 65; minus strand). Cytogenetic location: 11q22.3.
Variant type: single nucleotide variant.
Coding change: c.8818A>G on transcript NM_000051.4 (MANE Select); coding-DNA position 8818, A replaced by G.
Protein change: p.Asn2940Asp; replaces asparagine 2940 with aspartic acid.
Molecular consequence: missense variant. On other transcripts: intron variant (2).
Genome position (GRCh38, 1-based): chr11:108,354,842, A>G. VCF-style: chr11-108354842-A-G. GRCh37 (hg19) VCF-style: chr11-108225569-A-G.
Other names: c.8818A>G, p.Asn2940Asp (NM_001351834.2); c.640+31078T>C (NM_001330368.2); c.695-19550T>C (NM_001351110.2); short protein forms N2940D.
Identifiers: ClinVar variation 630980 (VCV000630980.10), dbSNP rs1565582460, ClinGen allele CA382525839.